The following is an entry in ClinVar:

NM_003000.3(SDHB):c.311delinsGG (p.Asn104fs)

Gene: SDHB (succinate dehydrogenase complex iron sulfur subunit B; minus strand). Cytogenetic location: 1p36.13.
Variant type: Indel.
Coding change: c.311delinsGG on transcript NM_003000.3 (MANE Select); coding-DNA position 311, A replaced by GG.
Protein change: p.Asn104fs; shifts the reading frame from asparagine 104.
Molecular consequence: frameshift variant.
Genome position (GRCh38, 1-based): chr1:17,028,712, T replaced by CC on the plus strand (A replaced by GG on the coding strand, the reverse complement: SDHB is on the minus strand). VCF-style: chr1-17028712-T-CC. GRCh37 (hg19) VCF-style: chr1-17355207-T-CC.
Other names: c.311delAinsGG (NM_003000.2); short protein forms N104fs.
Identifiers: ClinVar variation 184177 (VCV000184177.21), dbSNP rs786201316, ClinGen allele CA188076.
Genomic context (GRCh38, chr1:17,028,712, plus strand): 5'-ACCTTATTGAGGTTGGTGTCAATCCTTCGGGTGCAAGCTAGAGTGTTGCCTCCATTGATG[T>CC]TCATTGCACAAGAGCCACAGATGCCTGAAAGAGACACACATTTAACACATCCTCACCCAT-3'

ClinVar aggregate classification (germline): Pathogenic. Review status: criteria provided, multiple submitters, no conflicts (2 of 4 stars). 8 submissions from 8 submitters: Pathogenic (8). Last evaluated 2026-01-18.

Conditions:
SDHB-related disorder. Also called: SDHB-related condition; SDHB-related disorders. Identifiers: MedGen CN239418.
Gastrointestinal stromal tumor. Also called: Gastrointestinal stromal tumor, somatic; Gastrointestinal stroma tumor. Identifiers: Orphanet 44890, MedGen C0238198, MeSH D046152, MONDO:0011719, OMIM 606764, HP:0100723.
Pheochromocytoma. Also called: MAX-Related Hereditary Paraganglioma-Pheochromocytoma Syndrome. Identifiers: Orphanet 29072, MedGen C0031511, MONDO:0008233, OMIM 171300, HP:0002666.
Pheochromocytoma/paraganglioma syndrome 4. Also called: Paragangliomas 4; PARAGANGLIOMA, FAMILIAL MALIGNANT; PARAGANGLIOMAS, HEREDITARY EXTRAADRENAL; PHEOCHROMOCYTOMA, FAMILIAL EXTRAADRENAL; SDHB-Related Hereditary Paraganglioma-Pheochromocytoma Syndrome; CAROTID BODY TUMORS AND MULTIPLE EXTRAADRENAL PHEOCHROMOCYTOMAS. Identifiers: Orphanet 29072, MedGen C1861848, MONDO:0007273, OMIM 115310.
Hereditary cancer-predisposing syndrome. Also called: Tumor predisposition; Neoplastic Syndromes, Hereditary; Hereditary Cancer Syndrome; Hereditary neoplastic syndrome. Identifiers: Orphanet 140162, MedGen C0027672, MeSH D009386, MONDO:0015356.
Hereditary pheochromocytoma and paraganglioma. Also called: Hereditary Paraganglioma-Pheochromocytoma Syndromes; Hereditary paragangliomas and pheochromocytomas; Hereditary pheochromocytoma-paraganglioma. Identifiers: Orphanet 29072, MedGen C4274332, MONDO:0017366.

Submissions (8):

Labcorp Genetics (formerly Invitae), Labcorp
Classification: Pathogenic for Gastrointestinal stromal tumor; Pheochromocytoma/paraganglioma syndrome 4; Pheochromocytoma. Last evaluated: 2026-01-18. Review status: criteria provided, single submitter. Criteria: Invitae Variant Classification Sherloc (09022015). Collection method: clinical testing. Allele origin: germline.
Comment: This sequence change creates a premature translational stop signal (p.Asn104Argfs*15) in the SDHB gene. It is expected to result in an absent or disrupted protein product. Loss-of-function variants in SDHB are known to be pathogenic (PMID: 19454582, 19802898). Information on the frequency of this variant in the gnomAD database is not available, as this variant may be reported differently in the database. This premature translational stop signal has been observed in individual(s) with pheochromocytoma and paraganglioma (PMID: 16317055, 25972245, 31492822). This variant is also known as c.311delAinsGG. For these reasons, this variant has been classified as Pathogenic.

Athena Diagnostics
Classification: Pathogenic. Last evaluated: 2025-05-09. Review status: criteria provided, single submitter. Criteria: Athena Diagnostics Criteria. Collection method: clinical testing. Allele origin: unknown.
Comment: This variant is expected to result in the loss of a functional protein. The frequency of this variant in the general population is consistent with pathogenicity. This variant has been identified in multiple unrelated individuals with paraganglioma-pheochromocytoma syndrome. Assessment of experimental evidence suggests this variant results in abnormal protein function. (PMID: 25972245)

Ambry Genetics
Classification: Pathogenic for Hereditary cancer-predisposing syndrome. Last evaluated: 2025-03-14. Review status: criteria provided, single submitter. Criteria: Ambry Variant Classification Scheme 2023. Collection method: clinical testing. Allele origin: germline.
Comment: The c.311delAinsGG pathogenic mutation, located in coding exon 4 of the SDHB gene, results from the deletion of one nucleotide and insertion of two nucleotides at position 311, causing a translational frameshift with a predicted alternate stop codon (p.N104Rfs*15). This variant was reported in individual(s) with features consistent with SDHB-related paraganglioma-pheochromocytoma syndrome (Benn DE et al. J Clin Endocrinol Metab. 2006;91(3):827-36; Tufton N et al. Endocr Connect. 2019 Mar;8(3):162-172). In addition to the clinical data presented in the literature, this alteration is expected to result in loss of function by premature protein truncation or nonsense-mediated mRNA decay. As such, this alteration is interpreted as a disease-causing mutation.

GeneDx
Classification: Pathogenic. Last evaluated: 2024-08-01. Review status: criteria provided, single submitter. Criteria: GeneDx Variant Classification Process June 2021. Collection method: clinical testing. Allele origin: germline. Affected: yes.
Comment: Frameshift variant predicted to result in protein truncation or nonsense mediated decay in a gene for which loss of function is a known mechanism of disease; Not observed at significant frequency in large population cohorts (gnomAD); Published functional studies demonstrate a damaging effect: impaired enzymatic activity (PMID: 25972245); This variant is associated with the following publications: (PMID: 36786389, 16317055, 19215943, 26273102, 31492822, 30694796, 30201732, 29386252, 25972245)

Myriad Genetics, Inc.
Classification: Pathogenic for Pheochromocytoma/paraganglioma syndrome 4. Last evaluated: 2024-02-08. Review status: criteria provided, single submitter. Criteria: Myriad Autosomal Dominant, Autosomal Recessive and X-Linked Classification Criteria (2023). Collection method: clinical testing. Allele origin: unknown.
Comment: This variant is considered pathogenic. This variant creates a frameshift predicted to result in premature protein truncation.

All of Us Research Program, National Institutes of Health
Classification: Pathogenic for Hereditary pheochromocytoma and paraganglioma. Last evaluated: 2023-11-02. Review status: criteria provided, single submitter. Criteria: ACMG Guidelines, 2015. Collection method: clinical testing. Allele origin: germline. Inheritance: Autosomal dominant inheritance. Observed: 1 variant allele, 1 heterozygote.
Comment: This variant is predicted to result in loss of protein function through nonsense-mediated decay or protein truncation. Loss of function is an established mechanism of disease. This prediction has not been confirmed by functional studies. This variant has been reported in multiple individuals with phaeochromocytoma and paraganglioma (PMID: 36786389, 30201732, 29386252, 26273102, 25972245, 16317055). This variant is present in 1/251424 total alleles in the Genome Aggregation Database.

This study involves interpretation of variants in research participants for the purpose of population health screening. Participant phenotype was not available at the time of variant classification. Additional details can be found in publication PMID: 35346344, PMCID: PMC8962531

PreventionGenetics, part of Exact Sciences
Classification: Pathogenic for SDHB-related condition. Last evaluated: 2023-05-04. Review status: criteria provided, single submitter. Criteria: ACMG Guidelines, 2015. Collection method: clinical testing. Allele origin: germline.
Comment: The SDHB c.311delinsGG variant is predicted to result in a frameshift and premature protein termination (p.Asn104Argfs*15). This variant has been reported in an individuals with pheochromocytoma and/or paraganglioma (Table 1, Benn et al. 2006. PubMed ID: 16317055; Table 1, Tufton et al. 2019. PubMed ID: 30694796). In vitro experimental studies indicate this variant impacts protein function (Figure 2, Kim et al. 2015. PubMed ID: 25972245). This variant has not been reported in a large population database, indicating this variant is rare. It is interpreted as pathogenic in ClinVar. Frameshift variants in SDHB are expected to be pathogenic. This variant is interpreted as pathogenic.

Revvity Omics, Revvity
Classification: Pathogenic. Last evaluated: 2021-09-23. Review status: criteria provided, single submitter. Criteria: ACMG Guidelines, 2015. Collection method: clinical testing. Allele origin: germline.

Literature cited by the submitters: PubMed 19454582 (cited by Labcorp Genetics (formerly Invitae), Labcorp); PubMed 19802898 (cited by Labcorp Genetics (formerly Invitae), Labcorp); PubMed 16317055 (cited by 3 submitters); PubMed 25972245 (cited by 4 submitters); PubMed 31492822 (cited by Labcorp Genetics (formerly Invitae), Labcorp and Athena Diagnostics); PubMed 36786389 (cited by Athena Diagnostics and All of Us Research Program, National Institutes of Health); PubMed 30694796 (cited by Athena Diagnostics and Ambry Genetics); PubMed 29386252 (cited by Athena Diagnostics and All of Us Research Program, National Institutes of Health); PubMed 19215943 (cited by Athena Diagnostics and Ambry Genetics); PubMed 26273102 (cited by All of Us Research Program, National Institutes of Health); PubMed 30201732 (cited by All of Us Research Program, National Institutes of Health).